The following is an entry in ClinVar:

ClinVar aggregate classification (germline): Uncertain significance (0 of 4 stars; one submission).

Allele frequency attached by ClinVar (database versions not stated): gnomAD 0.00001 and 0.00002; gnomAD exomes 0.00002 and 0.00003; TOPMed 0.00002; ExAC 0.00004.
gnomAD v4.1: 26 of 1,610,834 alleles (0.0016%); highest among the groups gnomAD compares: South Asian, 0.025%; no homozygotes.

Submission:

Department of Pathology and Laboratory Medicine, Sinai Health System
Classification: Uncertain significance. Review status: no assertion criteria provided. Collection method: clinical testing. Allele origin: unknown. Affected: yes. Study: The Canadian Open Genetics Repository (COGR).
Comment: The NUP133 p.Ile462Val variant was not identified in the literature nor was it identified in ClinVar or LOVD 3.0. The variant was identified in dbSNP (ID: rs759574477) and in control databases in 9 of 278676 chromosomes at a frequency of 0.0000323 (Genome Aggregation Database March 6, 2019, v2.1.1). The variant was observed in the following populations: South Asian in 8 of 29700 chromosomes (freq: 0.000269) and African in 1 of 24568 chromosomes (freq: 0.000041), but was not observed in the Latino, Ashkenazi Jewish, East Asian, European (Finnish), European (non-Finnish) or Other populations. The p.Ile462 residue is conserved in mammals but not in more distantly related organisms however computational analyses (PolyPhen-2, SIFT, AlignGVGD, BLOSUM, MutationTaster) do not suggest a high likelihood of impact to the protein; this information is not predictive enough to rule out pathogenicity. The variant occurs outside of the splicing consensus sequence and in silico or computational prediction software programs (SpliceSiteFinder, MaxEntScan, NNSPLICE, GeneSplicer) do not predict a difference in splicing. In summary, based on the above information the clinical significance of this variant cannot be determined with certainty at this time. This variant is classified as a variant of uncertain significance.

NM_018230.3(NUP133):c.1384A>G (p.Ile462Val)

Gene: NUP133 (nucleoporin 133; minus strand). Cytogenetic location: 1q42.13.
Variant type: single nucleotide variant.
Coding change: c.1384A>G on transcript NM_018230.3 (MANE Select); coding-DNA position 1384, A replaced by G.
Protein change: p.Ile462Val; replaces isoleucine 462 with valine.
Molecular consequence: missense variant.
Genome position (GRCh38, 1-based): chr1:229,486,487, T>C on the plus strand (A>G on the coding strand, the complement: NUP133 is on the minus strand). VCF-style: chr1-229486487-T-C. GRCh37 (hg19) VCF-style: chr1-229622234-T-C.
Other names: short protein forms I462V.
Identifiers: ClinVar variation 1050532 (VCV001050532.1), dbSNP rs759574477, ClinGen allele CA1443544.